The following is an entry in ClinVar:

ClinVar aggregate classification (germline): Uncertain significance (1 of 4 stars; one submission).

Conditions:
Pitt-Hopkins syndrome (PTHS). Also called: ENCEPHALOPATHY, SEVERE EPILEPTIC, WITH AUTONOMIC DYSFUNCTION; MENTAL RETARDATION, SYNDROMAL, WITH INTERMITTENT HYPERVENTILATION. Identifiers: Orphanet 2896, MedGen C1970431, MONDO:0012589, OMIM 610954.

Allele frequency attached by ClinVar (database versions not stated): gnomAD exomes 0.00001.
gnomAD v4.1: 17 of 1,613,544 alleles (0.0011%); highest among the groups gnomAD compares: South Asian, 0.0033%; no homozygotes.

Submission:

Labcorp Genetics (formerly Invitae), Labcorp
Classification: Uncertain significance for Pitt-Hopkins syndrome. Last evaluated: 2020-09-17. Review status: criteria provided, single submitter. Criteria: Invitae Variant Classification Sherloc (09022015). Collection method: clinical testing. Allele origin: germline.
Comment: In summary, the available evidence is currently insufficient to determine the role of this variant in disease. Therefore, it has been classified as a Variant of Uncertain Significance. Algorithms developed to predict the effect of missense changes on protein structure and function are either unavailable or do not agree on the potential impact of this missense change (SIFT: "Deleterious"; PolyPhen-2: "Benign"; Align-GVGD: "Class C0"). This variant has not been reported in the literature in individuals with TCF4-related disease. This variant is not present in population databases (ExAC no frequency). This sequence change replaces leucine with phenylalanine at codon 161 of the TCF4 protein (p.Leu161Phe). The leucine residue is moderately conserved and there is a small physicochemical difference between leucine and phenylalanine.

NM_001083962.2(TCF4):c.481C>T (p.Leu161Phe)

Gene: TCF4 (transcription factor 4; minus strand). Cytogenetic location: 18q21.2.
Variant type: single nucleotide variant.
Coding change: c.481C>T on transcript NM_001083962.2 (MANE Select); coding-DNA position 481, C replaced by T.
Protein change: p.Leu161Phe; replaces leucine 161 with phenylalanine.
Molecular consequence: missense variant.
Genome position (GRCh38, 1-based): chr18:55,350,892, G>A on the plus strand (C>T on the coding strand, the complement: TCF4 is on the minus strand). VCF-style: chr18-55350892-G-A. GRCh37 (hg19) VCF-style: chr18-53018123-G-A.
Other names: c.787C>T, p.Leu263Phe (NM_001243226.3); c.409C>T, p.Leu137Phe (NM_001243227.2, NM_001306207.1, NM_001369575.1 and 9 more transcripts); c.481C>T, p.Leu161Phe (NM_001243228.2, NM_001369568.1, NM_001369571.1 and 5 more transcripts); c.475C>T, p.Leu159Phe (NM_001243230.2); c.355C>T, p.Leu119Phe (NM_001243231.2, NM_001348211.2); c.268C>T, p.Leu90Phe (NM_001243232.1, NM_001306208.1); c.91C>T, p.Leu31Phe (NM_001243233.2, NM_001330605.3, NM_001348212.2 and 1 more transcripts); c.478C>T, p.Leu160Phe (NM_001369569.1, NM_001369570.1, NM_001369573.1); and 1 more; short protein forms L137F, L160F, L161F, L119F, L263F, L31F, L90F, L159F.
Identifiers: ClinVar variation 660658 (VCV000660658.10), dbSNP rs755353080, ClinGen allele CA301134197.